The following is an entry in ClinVar:

NM_001291415.2(KDM6A):c.3611T>G (p.Phe1204Cys)

Gene: KDM6A (lysine demethylase 6A; plus strand). Cytogenetic location: Xp11.3.
Variant type: single nucleotide variant.
Coding change: c.3611T>G on transcript NM_001291415.2 (MANE Select); coding-DNA position 3611, T replaced by G.
Protein change: p.Phe1204Cys; replaces phenylalanine 1204 with cysteine.
Molecular consequence: missense variant. On other transcripts: non-coding transcript variant (1).
Genome position (GRCh38, 1-based): chrX:45,085,886, T>G. VCF-style: chrX-45085886-T-G. GRCh37 (hg19) VCF-style: chrX-44945131-T-G.
Other names: c.3455T>G, p.Phe1152Cys (NM_021140.4); c.3476T>G, p.Phe1159Cys (NM_001291416.2); c.3320T>G, p.Phe1107Cys (NM_001291417.2); c.3218T>G, p.Phe1073Cys (NM_001291418.2); c.2567T>G, p.Phe856Cys (NM_001291421.2); c.3353T>G, p.Phe1118Cys (NM_001410742.1); short protein forms F856C, F1118C, F1073C, F1107C, F1152C, F1159C, F1204C.
Identifiers: ClinVar variation 2111793 (VCV002111793.4), dbSNP rs2523281794, ClinGen allele CA412804993.
Genomic context (GRCh38, chrX:45,085,886, plus strand): 5'-ACCACTGGAGCTCCAATTTTTTTTCTTTTCACATTTCAGGTCATCAGGAAAATAACAACT[T>G]CTGTTCAGTTAACATAAATATTGGCCCAGGTGACTGTGAATGGTTTGTTGTTCCTGAAGG-3'
Protein context (NP_001278344.1, residues 1194-1214): RTPGHQENNN[Phe1204Cys]CSVNINIGPG

ClinVar aggregate classification (germline): Uncertain significance (1 of 4 stars; one submission).

Conditions:
Kabuki syndrome 2 (KABUK2). Also called: KDM6A-Related Kabuki Syndrome. Identifiers: Orphanet 2322, MedGen C3275495, MONDO:0010465, OMIM 300867.

Submission:

Labcorp Genetics (formerly Invitae), Labcorp
Classification: Uncertain significance for Kabuki syndrome 2. Last evaluated: 2024-04-15. Review status: criteria provided, single submitter. Criteria: Invitae Variant Classification Sherloc (09022015). Collection method: clinical testing. Allele origin: germline.
Comment: This sequence change replaces phenylalanine, which is neutral and non-polar, with cysteine, which is neutral and slightly polar, at codon 1152 of the KDM6A protein (p.Phe1152Cys). This variant is not present in population databases (gnomAD no frequency). This variant has not been reported in the literature in individuals affected with KDM6A-related conditions. ClinVar contains an entry for this variant (Variation ID: 2111793). Advanced modeling of protein sequence and biophysical properties (such as structural, functional, and spatial information, amino acid conservation, physicochemical variation, residue mobility, and thermodynamic stability) performed at Invitae indicates that this missense variant is not expected to disrupt KDM6A protein function with a negative predictive value of 80%. In summary, the available evidence is currently insufficient to determine the role of this variant in disease. Therefore, it has been classified as a Variant of Uncertain Significance.